The following is an entry in ClinVar:

ClinVar aggregate classification (germline): Uncertain significance (1 of 4 stars; one submission).

Allele frequency attached by ClinVar (database versions not stated): TOPMed below 0.00001; gnomAD 0.00001.

Submission:

Labcorp Genetics (formerly Invitae), Labcorp
Classification: Uncertain significance. Last evaluated: 2023-04-09. Review status: criteria provided, single submitter. Criteria: Invitae Variant Classification Sherloc (09022015). Collection method: clinical testing. Allele origin: germline.
Comment: In summary, the available evidence is currently insufficient to determine the role of this variant in disease. Therefore, it has been classified as a Variant of Uncertain Significance. Advanced modeling of protein sequence and biophysical properties (such as structural, functional, and spatial information, amino acid conservation, physicochemical variation, residue mobility, and thermodynamic stability) performed at Invitae indicates that this missense variant is not expected to disrupt ARID1B protein function. This variant has not been reported in the literature in individuals affected with ARID1B-related conditions. This variant is not present in population databases (gnomAD no frequency). This sequence change replaces glycine, which is neutral and non-polar, with serine, which is neutral and polar, at codon 305 of the ARID1B protein (p.Gly305Ser).

NM_001374828.1(ARID1B):c.1162G>A (p.Gly388Ser)

Gene: ARID1B (AT-rich interaction domain 1B; plus strand). Cytogenetic location: 6q25.3.
Variant type: single nucleotide variant.
Coding change: c.1162G>A on transcript NM_001374828.1 (MANE Select); coding-DNA position 1162, G replaced by A.
Protein change: p.Gly388Ser; replaces glycine 388 with serine.
Molecular consequence: missense variant.
Genome position (GRCh38, 1-based): chr6:156,778,842, G>A. VCF-style: chr6-156778842-G-A. GRCh37 (hg19) VCF-style: chr6-157099976-G-A.
Other names: c.913G>A, p.Gly305Ser (NM_001346813.1, NM_020732.3); c.1162G>A, p.Gly388Ser (NM_001371656.1, NM_001374820.1, NM_017519.3); c.739G>A, p.Gly247Ser (NM_175863.2); short protein forms G388S, G247S, G305S.
Identifiers: ClinVar variation 2919061 (VCV002919061.3), dbSNP rs868521464, ClinGen allele CA150802763.
Genomic context (GRCh38, chr6:156,778,842, plus strand): 5'-AACTCCCACGAAGGGTACCCCAACAGCCAGTGCAACCATTATCCGGGCTACAGCCGGCCC[G>A]GCGCGGGCGGCGGCGGCGGCGGCGGCGGCGGAGGAGGAGGAGGCAGCGGAGGAGGAGGAG-3'
Protein context (NP_001361757.1, residues 378-398): CNHYPGYSRP[Gly388Ser]AGGGGGGGGG